The following is an entry in ClinVar:

NM_000169.3(GLA):c.1093T>A (p.Tyr365Asn)

Genes: GLA (galactosidase alpha; minus strand), RPL36A-HNRNPH2 (RPL36A-HNRNPH2 readthrough; plus strand). Cytogenetic location: Xq22.1.
Variant type: single nucleotide variant.
Coding change: c.1093T>A on transcript NM_000169.3 (MANE Select); coding-DNA position 1093, T replaced by A.
Protein change: p.Tyr365Asn; replaces tyrosine 365 with asparagine.
Molecular consequence: missense variant. On other transcripts: non-coding transcript variant (3), intron variant (2).
Genome position (GRCh38, 1-based): chrX:101,398,006, A>T on the plus strand (T>A on the coding strand, the complement: GLA is on the minus strand). VCF-style: chrX-101398006-A-T. GRCh37 (hg19) VCF-style: chrX-100652994-A-T.
Other names: c.1216T>A, p.Tyr406Asn (NM_001406747.1); c.300+2549A>T (NM_001199973.2); c.177+6184A>T (NM_001199974.2); short protein forms Y365N, Y406N.
Identifiers: ClinVar variation 449838 (VCV000449838.19), dbSNP rs367658155, ClinGen allele CA029559.
Genomic context (GRCh38, chrX:101,398,006, plus strand): 5'-TGATGAAGCAGGCAGGATTACAGGCCACTCCTTTACCCAGGGAAGCAACTGCGATGGTAT[A>T]AGAGCGAGGTCCACCAATCTCCTGCCGGTTTATCATAGCTACAGCCCAGGCTAAGCCTGA-3'
Protein context (NP_000160.1, residues 355-375): NRQEIGGPRS[Tyr365Asn]TIAVASLGKG

ClinVar aggregate classification (germline): Uncertain significance. Review status: criteria provided, multiple submitters, no conflicts (2 of 4 stars). 9 submissions from 9 submitters: Uncertain significance (8). 1 of the submissions does not count toward it. Last evaluated 2026-09-08.

Conditions:
Cardiovascular phenotype. Identifiers: MedGen CN230736.
Fabry disease. Also called: Fabry's disease; Angiokeratoma corporis diffusum; GLA DEFICIENCY; HEREDITARY DYSTOPIC LIPIDOSIS; ALPHA-GALACTOSIDASE A DEFICIENCY; ANDERSON-FABRY DISEASE. Identifiers: Orphanet 324, MedGen C0002986, MONDO:0010526, OMIM 301500, HP:0001071. Disease mechanism: loss of function, Fabry disease is due to inactivating mutations in the X-linked GLA gene resulting in deficiency of the enzyme Alpha Galactosidase-A..

Allele frequency attached by ClinVar (database versions not stated): ExAC 0.00001; gnomAD exomes 0.00001; gnomAD 0.00005 and 0.00006; ESP Exome Variant Server 0.00009; TOPMed 0.00009.
gnomAD v4.1: 12 of 1,208,513 alleles (0.00099%); highest among the groups gnomAD compares: African/African-American, 0.021%; no homozygotes.

Submissions (9):

Genomenon, Inc
Classification: Uncertain significance for Fabry disease. Last evaluated: 2026-09-08. Review status: criteria provided, single submitter. Criteria: Genomenon Sequence Variant Interpretation Standards - Updated. Collection method: curation. Allele origin: germline. Affected: no.
Comment: GLA p.Tyr365Asn (c.1093T>A) is a missense variant that changes the amino acid at codon 365 from Tyrosine to Asparagine. This variant has been reported in the published literature (PMID:32418857). It is absent or not present at a significant frequency in gnomAD. In conclusion, we classify GLA p.Tyr365Asn (c.1093T>A) as a variant of uncertain significance.

Labcorp Genetics (formerly Invitae), Labcorp
Classification: Uncertain significance for Fabry disease. Last evaluated: 2025-05-27. Review status: criteria provided, single submitter. Criteria: Invitae Variant Classification Sherloc (09022015). Collection method: clinical testing. Allele origin: germline.
Comment: This sequence change replaces tyrosine, which is neutral and polar, with asparagine, which is neutral and polar, at codon 365 of the GLA protein (p.Tyr365Asn). This variant is present in population databases (rs367658155, gnomAD 0.01%). This variant has not been reported in the literature in individuals affected with GLA-related conditions. ClinVar contains an entry for this variant (Variation ID: 449838). Invitae Evidence Modeling of protein sequence and biophysical properties (such as structural, functional, and spatial information, amino acid conservation, physicochemical variation, residue mobility, and thermodynamic stability) has been performed for this missense variant. However, the output from this modeling did not meet the statistical confidence thresholds required to predict the impact of this variant on GLA protein function. In summary, the available evidence is currently insufficient to determine the role of this variant in disease. Therefore, it has been classified as a Variant of Uncertain Significance.

Color Diagnostics, LLC DBA Color Health
Classification: Uncertain significance for Fabry disease. Last evaluated: 2023-09-28. Review status: criteria provided, single submitter. Criteria: ACMG Guidelines, 2015. Collection method: clinical testing. Allele origin: germline.
Comment: This missense variant replaces tyrosine with asparagine at codon 365 of the GLA protein. Computational prediction suggests that this variant may not impact protein structure and function (internally defined REVEL score threshold <= 0.5, PMID: 27666373). To our knowledge, functional studies have not been reported for this variant. This variant has been reported in one individual who was suspected of having Fabry disease (PMID: 32418857). This variant has been identified in 2/205202 chromosomes in the general population by the Genome Aggregation Database (gnomAD). The available evidence is insufficient to determine the role of this variant in disease conclusively. Therefore, this variant is classified as a Variant of Uncertain Significance.

Women's Health and Genetics/Laboratory Corporation of America, LabCorp
Classification: Uncertain significance. Last evaluated: 2023-07-24. Review status: criteria provided, single submitter. Criteria: LabCorp Variant Classification Summary - May 2015. Collection method: clinical testing. Allele origin: germline.
Comment: Variant summary: GLA c.1093T>A (p.Tyr365Asn) results in a non-conservative amino acid change located in the Alpha galactosidase A, C-terminal beta-sandwich domain (IPR035373) of the encoded protein sequence. Three of five in-silico tools predict a benign effect of the variant on protein function. The variant allele was found at a frequency of 5.5e-06 in 183406 control chromosomes (gnomAD). The available data on variant occurrences in the general population are insufficient to allow any conclusion about variant significance. c.1093T>A has been reported in the literature in an individual suspected of having Fabry Disease but determined to be unaffected based on normal enzymatic activity levels (Stiles_2020). This report does not provide unequivocal conclusions about association of the variant with Fabry Disease. To our knowledge, no experimental evidence demonstrating an impact on protein function has been reported. The following publication has been ascertained in the context of this evaluation (PMID: 32418857). Seven submitters have cited clinical-significance assessments for this variant to ClinVar after 2014. All submitters classified the variant as uncertain significance. Based on the evidence outlined above, the variant was classified as uncertain significance.

GeneDx
Classification: Uncertain significance. Last evaluated: 2023-02-16. Review status: criteria provided, single submitter. Criteria: GeneDx Variant Classification Process June 2021. Collection method: clinical testing. Allele origin: germline. Affected: yes.
Comment: Identified in hemizygous state in a patient with suspected Fabry disease (Stiles et al., 2020); however, enzyme activity and biomarker analysis suggest this patient was unaffected; In silico analysis supports that this missense variant has a deleterious effect on protein structure/function; This variant is associated with the following publications: (PMID: 32418857)

Ambry Genetics
Classification: Uncertain significance for Cardiovascular phenotype. Last evaluated: 2022-10-19. Review status: criteria provided, single submitter. Criteria: Ambry Variant Classification Scheme 2023. Collection method: clinical testing. Allele origin: germline.
Comment: The p.Y365N variant (also known as c.1093T>A), located in coding exon 7 of the GLA gene, results from a T to A substitution at nucleotide position 1093. The tyrosine at codon 365 is replaced by asparagine, an amino acid with dissimilar properties. Based on data from gnomAD, the A allele has an overall frequency of 0.0010% (2/205202) total alleles studied, with 1 hemizygote(s) observed. The highest observed frequency was 0.0105% (2/18978) of African alleles. This amino acid position is poorly conserved in available vertebrate species. In addition, the in silico prediction for this alteration is inconclusive. Since supporting evidence is limited at this time, the clinical significance of this alteration remains unclear.

Fulgent Genetics
Classification: Uncertain significance for Fabry disease. Last evaluated: 2021-09-03. Review status: criteria provided, single submitter. Criteria: ACMG Guidelines, 2015. Collection method: clinical testing. Allele origin: unknown.

Genome-Nilou Lab
Classification: Uncertain significance for Fabry disease. Last evaluated: 2021-07-15. Review status: criteria provided, single submitter. Criteria: ACMG Guidelines, 2015. Collection method: clinical testing. Allele origin: germline. Affected: no.

Natera, Inc.
Classification: Uncertain significance for Fabry disease. Last evaluated: 2020-01-24. Review status: no assertion criteria provided. Collection method: clinical testing. Allele origin: germline. Not counted in ClinVar's aggregate classification.

Literature cited by the submitters: PubMed 32418857 (cited by 4 submitters).